The following is an entry in ClinVar:

NM_003172.4(SURF1):c.241-16T>A

Gene: SURF1 (SURF1 cytochrome c oxidase assembly factor; minus strand). Cytogenetic location: 9q34.2.
Variant type: single nucleotide variant.
Coding change: c.241-16T>A on transcript NM_003172.4 (MANE Select); 16 bases into the intron before coding-DNA position 241, T replaced by A.
Molecular consequence: intron variant.
Genome position (GRCh38, 1-based): chr9:133,354,757, A>T on the plus strand (T>A on the coding strand, the complement: SURF1 is on the minus strand). VCF-style: chr9-133354757-A-T. GRCh37 (hg19) VCF-style: chr9-136221612-A-T.
Other names: c.-87-16T>A (NM_001280787.1).
Identifiers: ClinVar variation 1362819 (VCV001362819.4), dbSNP rs146939127, ClinGen allele CA2573144314.
Genomic context (GRCh38, chr9:133,354,757, plus strand): 5'-CTCCAACTCTGCAATCAGGTTCAGCTTCCACTTCCGACGCTGGACCTACAGTGACAGAGC[A>T]TAAGGCCAAGCAGATGGCAGCAAGGTCAAGGGCCCAGAGTTACGCACACCAGATGCCGGT-3'

ClinVar aggregate classification (germline): Uncertain significance (1 of 4 stars; one submission).

Conditions:
Leigh syndrome (NULS). Also called: Leigh Disease; Leigh's syndrome; Subacute necrotizing encephalopathy; Necrotizing encephalopathy infantile subacute of Leigh; LEIGH SYNDROME, NUCLEAR; Leigh Syndrome (mtDNA deletion). Identifiers: Orphanet 506, MedGen C2931891, MONDO:0009723, OMIM 256000.

Submission:

Labcorp Genetics (formerly Invitae), Labcorp
Classification: Uncertain significance for Leigh syndrome. Last evaluated: 2025-05-19. Review status: criteria provided, single submitter. Criteria: Invitae Variant Classification Sherloc (09022015). Collection method: clinical testing. Allele origin: germline.
Comment: This sequence change falls in intron 3 of the SURF1 gene. It does not directly change the encoded amino acid sequence of the SURF1 protein. This variant is not present in population databases (gnomAD no frequency). This variant has not been reported in the literature in individuals affected with SURF1-related conditions. ClinVar contains an entry for this variant (Variation ID: 1362819). Algorithms developed to predict the effect of sequence changes on RNA splicing suggest that this variant may disrupt the consensus splice site. In summary, the available evidence is currently insufficient to determine the role of this variant in disease. Therefore, it has been classified as a Variant of Uncertain Significance.